The following is an entry in ClinVar:

ClinVar aggregate classification (germline): Uncertain significance (1 of 4 stars; one submission).

Allele frequency attached by ClinVar (database versions not stated): gnomAD exomes below 0.00001.
gnomAD v4.1: 4 of 1,613,896 alleles (0.00025%); highest among the groups gnomAD compares: Admixed American, 0.0017%; no homozygotes.

Submission:

Labcorp Genetics (formerly Invitae), Labcorp
Classification: Uncertain significance. Last evaluated: 2023-02-05. Review status: criteria provided, single submitter. Criteria: Invitae Variant Classification Sherloc (09022015). Collection method: clinical testing. Allele origin: germline.
Comment: Algorithms developed to predict the effect of missense changes on protein structure and function are either unavailable or do not agree on the potential impact of this missense change (SIFT: "Deleterious"; PolyPhen-2: "Possibly Damaging"; Align-GVGD: "Class C0"). In summary, the available evidence is currently insufficient to determine the role of this variant in disease. Therefore, it has been classified as a Variant of Uncertain Significance. This variant has not been reported in the literature in individuals affected with LSS-related conditions. This sequence change replaces isoleucine, which is neutral and non-polar, with threonine, which is neutral and polar, at codon 127 of the LSS protein (p.Ile127Thr). This variant is not present in population databases (gnomAD no frequency).

NM_002340.6(LSS):c.380T>C (p.Ile127Thr)

Gene: LSS (lanosterol synthase; minus strand). Cytogenetic location: 21q22.3.
Variant type: single nucleotide variant.
Coding change: c.380T>C on transcript NM_002340.6 (MANE Select); coding-DNA position 380, T replaced by C.
Protein change: p.Ile127Thr; replaces isoleucine 127 with threonine.
Molecular consequence: missense variant.
Genome position (GRCh38, 1-based): chr21:46,222,678, A>G on the plus strand (T>C on the coding strand, the complement: LSS is on the minus strand). VCF-style: chr21-46222678-A-G. GRCh37 (hg19) VCF-style: chr21-47642592-A-G.
Other names: c.380T>C, p.Ile127Thr (NM_001001438.3, NM_001145436.2); c.140T>C, p.Ile47Thr (NM_001145437.2); short protein forms I127T, I47T.
Identifiers: ClinVar variation 2873127 (VCV002873127.3), dbSNP rs2517250495, ClinGen allele CA410525042.